The following is an entry in ClinVar:

ClinVar aggregate classification (germline): Uncertain significance (1 of 4 stars; one submission).

Conditions:
Cardiovascular phenotype. Identifiers: MedGen CN230736.

gnomAD v4.1: 10 of 1,613,756 alleles (0.00062%); highest among the groups gnomAD compares: Non-Finnish European, 0.00085%; no homozygotes.

Submission:

Ambry Genetics
Classification: Uncertain significance for Cardiovascular phenotype. Last evaluated: 2017-03-22. Review status: criteria provided, single submitter. Criteria: Ambry Variant Classification Scheme 2023. Collection method: clinical testing. Allele origin: germline.
Comment: The p.S331N variant (also known as c.992G>A), located in coding exon 10 of the CACNB2 gene, results from a G to A substitution at nucleotide position 992. The serine at codon 331 is replaced by asparagine, an amino acid with highly similar properties. This amino acid position is not well conserved in available vertebrate species. In addition, this alteration is predicted to be tolerated by in silico analysis. Since supporting evidence is limited at this time, the clinical significance of this alteration remains unclear.

NM_201596.3(CACNB2):c.1154G>A (p.Ser385Asn)

Gene: CACNB2 (calcium voltage-gated channel auxiliary subunit beta 2; plus strand). Cytogenetic location: 10p12.31.
Variant type: single nucleotide variant.
Coding change: c.1154G>A on transcript NM_201596.3 (MANE Select); coding-DNA position 1154, G replaced by A.
Protein change: p.Ser385Asn; replaces serine 385 with asparagine.
Molecular consequence: missense variant.
Genome position (GRCh38, 1-based): chr10:18,534,175, G>A. VCF-style: chr10-18534175-G-A. GRCh37 (hg19) VCF-style: chr10-18823104-G-A.
Other names: c.989G>A, p.Ser330Asn (NM_000724.4); c.956G>A, p.Ser319Asn (NM_001167945.2); c.875G>A, p.Ser292Asn (NM_001330060.2); c.1010G>A, p.Ser337Asn (NM_201570.3); c.1070G>A, p.Ser357Asn (NM_201571.4); c.998G>A, p.Ser333Asn (NM_201572.4); c.992G>A, p.Ser331Asn (NM_201590.3); c.1040G>A, p.Ser347Asn (NM_201593.3); and 1 more; short protein forms S331N, S385N, S330N, S337N, S361N, S357N, S292N, S319N.
Identifiers: ClinVar variation 519413 (VCV000519413.5), dbSNP rs770400596, ClinGen allele CA203165518.